The following is an entry in ClinVar:

ClinVar aggregate classification (germline): Uncertain significance. Review status: criteria provided, multiple submitters, no conflicts (2 of 4 stars). 5 submissions from 5 submitters: Uncertain significance (4). 1 of the submissions does not count toward it. Last evaluated 2023-10-01.

Conditions:
Mucopolysaccharidosis, MPS-III-C (MPS3C). Also called: SANFILIPPO SYNDROME C; mucopolysaccharidosis type 3C; Mucopolysaccharidosis type IIIC (Sanfilippo C); MPS IIIC (Sanfilippo Syndrome Type C); MUCOPOLYSACCHARIDOSIS, TYPE IIIC; MPS III C. Identifiers: Orphanet 581, Orphanet 79271, MedGen C0086649, MONDO:0009657, OMIM 252930.
Retinitis pigmentosa 73 (RP73). Identifiers: Orphanet 791, MedGen C4225287, MONDO:0014687, OMIM 616544.
Retinal dystrophy. Also called: Inherited retinal dystrophy. Identifiers: Orphanet 71862, MedGen C0854723, MeSH D058499, MONDO:0019118, HP:0000556.

Allele frequency attached by ClinVar (database versions not stated): gnomAD 0.00001; TOPMed 0.00003; gnomAD exomes 0.00002.
gnomAD v4.1: 12 of 1,611,606 alleles (0.00074%); highest among the groups gnomAD compares: East Asian, 0.027%; no homozygotes.

Submissions (5):

Dept Of Ophthalmology, Nagoya University
Classification: Uncertain significance for Retinal dystrophy. Last evaluated: 2023-10-01. Review status: criteria provided, single submitter. Criteria: Submitter's publication. Collection method: research. Allele origin: germline. Affected: yes.

Labcorp Genetics (formerly Invitae), Labcorp
Classification: Uncertain significance for Retinitis pigmentosa 73; Mucopolysaccharidosis, MPS-III-C. Last evaluated: 2022-10-17. Review status: criteria provided, single submitter. Criteria: Invitae Variant Classification Sherloc (09022015). Collection method: clinical testing. Allele origin: germline.
Comment: This sequence change replaces alanine, which is neutral and non-polar, with proline, which is neutral and non-polar, at codon 498 of the HGSNAT protein (p.Ala498Pro). This variant is present in population databases (no rsID available, gnomAD 0.03%). This variant has not been reported in the literature in individuals affected with HGSNAT-related conditions. ClinVar contains an entry for this variant (Variation ID: 864269). Advanced modeling of protein sequence and biophysical properties (such as structural, functional, and spatial information, amino acid conservation, physicochemical variation, residue mobility, and thermodynamic stability) performed at Invitae indicates that this missense variant is not expected to disrupt HGSNAT protein function. In summary, the available evidence is currently insufficient to determine the role of this variant in disease. Therefore, it has been classified as a Variant of Uncertain Significance.

Blueprint Genetics
Classification: Uncertain significance. Last evaluated: 2022-05-27. Review status: criteria provided, single submitter. Criteria: ACMG Guidelines, 2015. Collection method: clinical testing. Allele origin: germline.

Breakthrough Genomics
Classification: Uncertain significance. Review status: criteria provided, single submitter. Criteria: ACMG Guidelines, 2015. Collection method: not provided. Allele origin: germline. Inheritance: Autosomal recessive inheritance. Affected: yes.

Natera, Inc.
Classification: Uncertain significance for Mucopolysaccharidosis type IIIC. Last evaluated: 2020-03-21. Review status: no assertion criteria provided. Collection method: clinical testing. Allele origin: germline. Not counted in ClinVar's aggregate classification.

NM_152419.3(HGSNAT):c.1492G>C (p.Ala498Pro)

Gene: HGSNAT (heparan-alpha-glucosaminide N-acetyltransferase; plus strand). Cytogenetic location: 8p11.21.
Variant type: single nucleotide variant.
Coding change: c.1492G>C on transcript NM_152419.3 (MANE Select); coding-DNA position 1492, G replaced by C.
Protein change: p.Ala498Pro; replaces alanine 498 with proline.
Molecular consequence: missense variant.
Genome position (GRCh38, 1-based): chr8:43,196,975, G>C. VCF-style: chr8-43196975-G-C. GRCh37 (hg19) VCF-style: chr8-43052118-G-C.
Other names: c.1579G>C, p.Ala527Pro (NM_001363227.2); c.1300G>C, p.Ala434Pro (NM_001363228.2); c.628G>C, p.Ala210Pro (NM_001363229.2); short protein forms A210P, A498P, A434P, A527P.
Identifiers: ClinVar variation 864269 (VCV000864269.6), dbSNP rs1433404175, ClinGen allele CA371120186.
Genomic context (GRCh38, chr8:43,196,975, plus strand): 5'-ATTCTTTTGGTCACACTGTGTTATCTCCTCCAGGCAGGAAAAATACTATTGTATTACAAG[G>C]CTCGGACCAAAGACATCCTGATTCGATTCACTGCTTGGTGTTGTATTCTTGTAAGTAAGC-3'
Protein context (NP_689632.2, residues 488-508): QAGKILLYYK[Ala498Pro]RTKDILIRFT